The following is an entry in ClinVar:

ClinVar aggregate classification (germline): Benign (1 of 4 stars; one submission).

Allele frequency attached by ClinVar (database versions not stated): 1000 Genomes Project 0.00040; 1000 Genomes Project 30x 0.00078.
gnomAD v4.1: 52 of 207,280 alleles (0.025%); highest among the groups gnomAD compares: South Asian, 0.14%; no homozygotes.

Submission:

CeGaT Center for Human Genetics Tuebingen
Classification: Benign. Last evaluated: 2022-05-01. Review status: criteria provided, single submitter. Criteria: CeGaT Center For Human Genetics Tuebingen Variant Classification Criteria Version 2. Collection method: clinical testing. Allele origin: germline. Affected: yes. Observed: 1 variant allele.
Comment: PDGFRA: BS1, BS2

NM_006206.6(PDGFRA):c.*1136C>T

Gene: PDGFRA (platelet derived growth factor receptor alpha; plus strand). Cytogenetic location: 4q12.
Variant type: single nucleotide variant.
Coding change: c.*1136C>T on transcript NM_006206.6 (MANE Select); 1136 bases downstream of the stop codon, C replaced by T.
Molecular consequence: 3 prime UTR variant.
Genome position (GRCh38, 1-based): chr4:54,296,408, C>T. VCF-style: chr4-54296408-C-T. GRCh37 (hg19) VCF-style: chr4-55162575-C-T.
Other names: c.*1136C>T (NM_001347828.2, NM_001347829.2, NM_001347830.2).
Identifiers: ClinVar variation 2654759 (VCV002654759.24), dbSNP rs560280718, ClinGen allele CA96834033.